The following is an entry in ClinVar:

ClinVar aggregate classification (germline): Uncertain significance. Review status: criteria provided, multiple submitters, no conflicts (2 of 4 stars). 2 submissions from 2 submitters: Uncertain significance (2). Last evaluated 2024-12-11.

Conditions:
Inborn genetic diseases. Identifiers: MedGen C0950123, MeSH D030342.

Allele frequency attached by ClinVar (database versions not stated): ExAC 0.00002; gnomAD 0.00002; TOPMed 0.00002.

Submissions (2):

Ambry Genetics
Classification: Uncertain significance for Inborn genetic diseases. Last evaluated: 2024-12-11. Review status: criteria provided, single submitter. Criteria: Ambry Variant Classification Scheme 2023. Collection method: clinical testing. Allele origin: germline.

Labcorp Genetics (formerly Invitae), Labcorp
Classification: Uncertain significance. Last evaluated: 2023-07-03. Review status: criteria provided, single submitter. Criteria: Invitae Variant Classification Sherloc (09022015). Collection method: clinical testing. Allele origin: germline.
Comment: This variant has not been reported in the literature in individuals affected with NKX2-1-related conditions. In summary, the available evidence is currently insufficient to determine the role of this variant in disease. Therefore, it has been classified as a Variant of Uncertain Significance. An algorithm developed to predict the effect of missense changes on protein structure and function (PolyPhen-2) suggests that this variant is likely to be tolerated. This variant is present in population databases (rs755350896, gnomAD 0.009%). This sequence change replaces histidine, which is basic and polar, with glutamine, which is neutral and polar, at codon 379 of the NKX2-1 protein (p.His379Gln).

NM_001079668.3(NKX2-1):c.1137C>A (p.His379Gln)

Genes: NKX2-1 (NK2 homeobox 1; minus strand), SFTA3 (surfactant associated 3; minus strand). Cytogenetic location: 14q13.3.
Variant type: single nucleotide variant.
Coding change: c.1137C>A on transcript NM_001079668.3 (MANE Select); coding-DNA position 1137, C replaced by A.
Protein change: p.His379Gln; replaces histidine 379 with glutamine.
Molecular consequence: missense variant.
Genome position (GRCh38, 1-based): chr14:36,517,347, G>T on the plus strand (C>A on the coding strand, the complement: NKX2-1 is on the minus strand). VCF-style: chr14-36517347-G-T. GRCh37 (hg19) VCF-style: chr14-36986552-G-T.
Other names: c.1047C>A, p.His349Gln (NM_003317.4); c.1047C>A (NM_003317.3); short protein forms H379Q, H349Q.
Identifiers: ClinVar variation 2918597 (VCV002918597.4), dbSNP rs755350896, ClinGen allele CA7158409.